The following is an entry in ClinVar:

ClinVar aggregate classification (germline): Pathogenic (1 of 4 stars; one submission).

Conditions:
Fanconi anemia (FA). Also called: Fanconi's anemia. Identifiers: Orphanet 84, MedGen C0015625, MeSH D005199, MONDO:0019391.

Allele frequency attached by ClinVar (database versions not stated): TOPMed below 0.00001.

Submission:

Labcorp Genetics (formerly Invitae), Labcorp
Classification: Pathogenic for Fanconi anemia. Last evaluated: 2025-06-30. Review status: criteria provided, single submitter. Criteria: Invitae Variant Classification Sherloc (09022015). Collection method: clinical testing. Allele origin: germline.
Comment: This sequence change creates a premature translational stop signal (p.Ser1244Thrfs*44) in the SLX4 gene. It is expected to result in an absent or disrupted protein product. Loss-of-function variants in SLX4 are known to be pathogenic (PMID: 21240277). This variant is not present in population databases (gnomAD no frequency). This variant has not been reported in the literature in individuals affected with SLX4-related conditions. ClinVar contains an entry for this variant (Variation ID: 2199531). For these reasons, this variant has been classified as Pathogenic.

Literature cited by the submitters: PubMed 21240277.

NM_032444.4(SLX4):c.3731del (p.Ser1244fs)

Gene: SLX4 (SLX4 structure-specific endonuclease subunit; minus strand). Cytogenetic location: 16p13.3.
Variant type: Deletion.
Coding change: c.3731del on transcript NM_032444.4 (MANE Select); coding-DNA position 3731, one base deleted (G; older notation c.3731delG).
Protein change: p.Ser1244fs; shifts the reading frame from serine 1244.
Molecular consequence: frameshift variant.
Genome position (GRCh38, 1-based): chr16:3,589,907, C deleted on the plus strand (G on the coding strand, the reverse complement: SLX4 is on the minus strand). VCF-style (leftmost placement, unchanged base first): chr16-3589906-GC-G. GRCh37 (hg19) VCF-style: chr16-3639907-GC-G.
Other names: short protein forms S1244fs.
Identifiers: ClinVar variation 2199531 (VCV002199531.4), dbSNP rs2040561088, ClinGen allele CA2202848418.